The following is an entry in ClinVar:

ClinVar aggregate classification (germline): Conflicting classifications of pathogenicity. Review status: criteria provided, conflicting classifications (1 of 4 stars). 6 submissions from 6 submitters: Likely pathogenic (2); Uncertain significance (1). 3 of the submissions do not count toward it. Last evaluated 2024-08-27.

Conditions:
MC4R-related disorder. Also called: MC4R-related condition.
Monogenic diabetes. Identifiers: Orphanet 183625, MedGen C3888631, MONDO:0015967.
Obesity. Also called: Obesity disorder. Identifiers: Orphanet 71529, MedGen C0028754, MeSH D009765, MONDO:0011122, HP:0001513.
BODY MASS INDEX QUANTITATIVE TRAIT LOCUS 20 (BMIQ20). Also called: MELANOCORTIN 4 RECEPTOR DEFICIENCY; MC4R DEFICIENCY. Identifiers: MedGen C4759928, OMIM 618406.

Allele frequency attached by ClinVar (database versions not stated): ExAC 0.00001; gnomAD 0.00001; gnomAD exomes 0.00001 and 0.00002; TOPMed 0.00001.

Submissions (6):

GeneDx
Classification: Uncertain significance. Last evaluated: 2024-08-27. Review status: criteria provided, single submitter. Criteria: GeneDx Variant Classification Process June 2021. Collection method: clinical testing. Allele origin: germline. Affected: yes.
Comment: Not observed at significant frequency in large population cohorts (gnomAD); In silico analysis supports that this missense variant has a deleterious effect on protein structure/function; This variant is associated with the following publications: (PMID: 18559663, 17628007, 29311635, 10903341, 16752916, 16507637, 17590021, 23791567, 16611215, 12499395, 20462274, 34882941, 31447099, 24705671, 37040537, 12690102, 18768149)

Broad Center for Mendelian Genomics, Broad Institute of MIT and Harvard
Classification: Likely pathogenic for Obesity. Last evaluated: 2020-01-22. Review status: criteria provided, single submitter. Criteria: ACMG Guidelines, 2015. Collection method: curation. Allele origin: germline. Inheritance: Autosomal dominant inheritance.
Comment: Although this variant has been seen in the general population, its frequency is low enough to be consistent with a carrier frequency. Please note that for diseases with clinical variability, or reduced penetrance, pathogenic variants may be present at a low frequency in the general population. This variant has also been reported as a VUS and a likely pathogenic variant in ClinVar (Variation ID: 549551). In vitro functional studies provide some evidence that the p.Leu250Gln variant may impact cell membrane expression and constitutively activate the protein receptor (PMID: 16611215, 23791567, 12499395, 16507637, 12690102). However, these types of assays may not accurately represent biological function. Computational prediction tools and conservation analyses suggest that this variant may impact the protein, though this information is not predictive enough to determine pathogenicity. In vitro functional studies also provide some evidence that multiple, unique missense variants at the same position impact the protein and that this position is important for protein function (PMID: 16611215). In summary, although additional studies are required to fully establish its clinical significance, this variant is likely pathogenic. ACMG/AMP Criteria applied: PS3_Moderate, PM2_Supporting, PP3, PS4_Supporting, PM5_Supporting (Richards 2015).

Human Genome Sequencing Center Clinical Lab, Baylor College of Medicine
Classification: Likely pathogenic for Inherited obesity. Last evaluated: 2017-03-10. Review status: criteria provided, single submitter. Criteria: ACMG Guidelines, 2015. Collection method: clinical testing. Allele origin: germline.
Comment: This c.749T>A (p.Leu250Gln) has previously been reported in multiple patients presenting with obesity [PMID 10903341, 16507637, 18559663, 12690102]. Functional assays showed that the receptor displayed high constitutive activity [PMID 12690102, 16611215, 16507637, 23791567]. However, cell surface expression level of the p.Leu250Gln mutant was decreased by about half of wild type [PMID 12690102, 16507637]. Thus the mechanism of pathogenicity of this variant in unclear at this time. This variant is conserved in mammals. This variant has been observed in one heterozygous individual from the ExAC database. While not validated for clinical use, the computer-based algorithms predict this p.Leu250Gln change to be deleterious. It is thus interpreted as a likely pathogenic variant.

PreventionGenetics, part of Exact Sciences
Classification: Likely pathogenic for MC4R-related condition. Last evaluated: 2024-01-30. Review status: no assertion criteria provided. Collection method: clinical testing. Allele origin: germline. Not counted in ClinVar's aggregate classification.
Comment: The MC4R c.749T>A variant is predicted to result in the amino acid substitution p.Leu250Gln. This variant has been reported in individuals with obesity (Vaisse et al. 2000. PubMed ID: 10903341; Nijenhuis et al. 2003. PubMed ID: 12690102; Lubrano-Berthelier et al. 2006. PubMed ID: 16507637). Functional studies indicate this variant alters membrane expression and leads to high constitutive activity (Vaisse et al. 2000. PubMed ID: 10903341; Nijenhuis et al. 2003. PubMed ID: 12690102; Lubrano-Berthelier et al. 2006. PubMed ID: 16507637; Proneth et al. 2006. PubMed ID: 16611215; Xiang et al. 2006. PubMed ID: 16752916). This variant is reported in 0.0029% of alleles in individuals of Latino descent in gnomAD and has conflicting interpretations regarding its pathogenicity in ClinVar, ranging from likely pathogenic to uncertain significance. Taken together, we interpret this variant as likely pathogenic.

Equipe Genetique des Anomalies du Developpement, Université de Bourgogne
Classification: Likely pathogenic for BODY MASS INDEX QUANTITATIVE TRAIT LOCUS 20. Last evaluated: 2021-10-19. Review status: no assertion criteria provided. Criteria: ACMG Guidelines, 2016. Collection method: clinical testing. Allele origin: maternal. Affected: yes. Not counted in ClinVar's aggregate classification.

Personalized Diabetes Medicine Program, University of Maryland School of Medicine
Classification: Uncertain significance for Monogenic diabetes. Last evaluated: 2017-02-10. Review status: flagged submission. Criteria: ACMG Guidelines, 2015. Collection method: research. Allele origin: unknown. Observed: 1 variant allele, 1 heterozygote. Study: Personalized Diabetes Medicine Program. Not counted in ClinVar's aggregate classification.
Comment: ACMG Criteria:PP3 (8 predictors), BP4 (3 predictors)
ClinVar note: Reason: Outlier claim with insufficient supporting evidence

Literature cited by the submitters: PubMed 10903341 (cited by Broad Center for Mendelian Genomics, Broad Institute of MIT and Harvard); PubMed 16611215 (cited by Broad Center for Mendelian Genomics, Broad Institute of MIT and Harvard); PubMed 12690102 (cited by Broad Center for Mendelian Genomics, Broad Institute of MIT and Harvard); PubMed 18559663 (cited by Broad Center for Mendelian Genomics, Broad Institute of MIT and Harvard); PubMed 23791567 (cited by Broad Center for Mendelian Genomics, Broad Institute of MIT and Harvard); PubMed 16507637 (cited by Broad Center for Mendelian Genomics, Broad Institute of MIT and Harvard); PubMed 12499395 (cited by Broad Center for Mendelian Genomics, Broad Institute of MIT and Harvard).

NM_005912.3(MC4R):c.749T>A (p.Leu250Gln)

Gene: MC4R (melanocortin 4 receptor; minus strand). Cytogenetic location: 18q21.32.
Variant type: single nucleotide variant.
Coding change: c.749T>A on transcript NM_005912.3 (MANE Select); coding-DNA position 749, T replaced by A.
Protein change: p.Leu250Gln; replaces leucine 250 with glutamine.
Molecular consequence: missense variant.
Genome position (GRCh38, 1-based): chr18:60,371,601, A>T on the plus strand (T>A on the coding strand, the complement: MC4R is on the minus strand). VCF-style: chr18-60371601-A-T. GRCh37 (hg19) VCF-style: chr18-58038834-A-T.
Other names: short protein forms L250Q.
Identifiers: ClinVar variation 549551 (VCV000549551.9), dbSNP rs772393451, ClinGen allele CA8980847.